The following is an entry in ClinVar:

NM_006513.4(SARS1):c.904C>T (p.Arg302Cys)

Gene: SARS1 (seryl-tRNA synthetase 1; plus strand). Cytogenetic location: 1p13.3.
Variant type: single nucleotide variant.
Coding change: c.904C>T on transcript NM_006513.4 (MANE Select); coding-DNA position 904, C replaced by T.
Protein change: p.Arg302Cys; replaces arginine 302 with cysteine.
Molecular consequence: missense variant.
Genome position (GRCh38, 1-based): chr1:109,235,366, C>T. VCF-style: chr1-109235366-C-T. GRCh37 (hg19) VCF-style: chr1-109777988-C-T.
Other names: c.904C>T, p.Arg302Cys (NM_001330669.1); short protein forms R302C.
Identifiers: ClinVar variation 2499499 (VCV002499499.1), dbSNP rs2526364996, ClinGen allele CA341508888.

ClinVar aggregate classification (germline): no classifications from unflagged records (0 of 4 stars; one submission).

Conditions:
Neurodevelopmental disorder with microcephaly, ataxia, and seizures. Identifiers: MedGen C4540188, MONDO:0060577, OMIM 617709.

Allele frequency attached by ClinVar (database versions not stated): gnomAD exomes 0.00001.
gnomAD v4.1: 3 of 1,614,070 alleles (0.00019%); highest among the groups gnomAD compares: Non-Finnish European, 0.00025%; no homozygotes.

Submission:

OMIM
Classification: Pathogenic for NEURODEVELOPMENTAL DISORDER WITH MICROCEPHALY, ATAXIA, AND SEIZURES. Last evaluated: 2023-04-19. Review status: flagged submission. Collection method: literature only. Allele origin: germline.
ClinVar note: Notes: Flagging candidate with reason of insufficient supporting evidence. This gene has been classified as having a limited gene-disease relationship by a ClinGen Expert Panel.
ClinVar note: Reason: Other

Literature cited by the submitters: PubMed 35790048.